The following is an entry in ClinVar:

ClinVar aggregate classification (germline): Uncertain significance (1 of 4 stars; one submission).

Submission:

Labcorp Genetics (formerly Invitae), Labcorp
Classification: Uncertain significance. Last evaluated: 2025-04-23. Review status: criteria provided, single submitter. Criteria: Invitae Variant Classification Sherloc (09022015). Collection method: clinical testing. Allele origin: germline.
Comment: This sequence change replaces glycine, which is neutral and non-polar, with arginine, which is basic and polar, at codon 404 of the COL4A6 protein (p.Gly404Arg). This variant is not present in population databases (gnomAD no frequency). This variant has not been reported in the literature in individuals affected with COL4A6-related conditions. Invitae Evidence Modeling of protein sequence and biophysical properties (such as structural, functional, and spatial information, amino acid conservation, physicochemical variation, residue mobility, and thermodynamic stability) indicates that this missense variant is expected to disrupt COL4A6 protein function with a positive predictive value of 80%. In summary, the available evidence is currently insufficient to determine the role of this variant in disease. Therefore, it has been classified as a Variant of Uncertain Significance.

NM_033641.4(COL4A6):c.1207G>A (p.Gly403Arg)

Gene: COL4A6 (collagen type IV alpha 6 chain; minus strand). Cytogenetic location: Xq22.3.
Variant type: single nucleotide variant.
Coding change: c.1207G>A on transcript NM_033641.4 (MANE Select); coding-DNA position 1207, G replaced by A.
Protein change: p.Gly403Arg; replaces glycine 403 with arginine.
Molecular consequence: missense variant.
Genome position (GRCh38, 1-based): chrX:108,191,507, C>T on the plus strand (G>A on the coding strand, the complement: COL4A6 is on the minus strand). VCF-style: chrX-108191507-C-T. GRCh37 (hg19) VCF-style: chrX-107434737-C-T.
Other names: c.1207G>A, p.Gly403Arg (NM_001287758.2, NM_001287759.2, NM_001287760.2 and 1 more transcripts); c.1210G>A, p.Gly404Arg (NM_001440759.1, NM_001847.4); short protein forms G403R, G404R.
Identifiers: ClinVar variation 4770442 (VCV004770442.1).